The following is an entry in ClinVar:

NM_001371986.1(UNC80):c.3160A>C (p.Thr1054Pro)

Gene: UNC80 (unc-80 subunit of NALCN channel complex; plus strand). Cytogenetic location: 2q34.
Variant type: single nucleotide variant.
Coding change: c.3160A>C on transcript NM_001371986.1 (MANE Select); coding-DNA position 3160, A replaced by C.
Protein change: p.Thr1054Pro; replaces threonine 1054 with proline.
Molecular consequence: missense variant.
Genome position (GRCh38, 1-based): chr2:209,839,340, A>C. VCF-style: chr2-209839340-A-C. GRCh37 (hg19) VCF-style: chr2-210704064-A-C.
Other names: c.3160A>C, p.Thr1054Pro (NM_032504.2); c.3145A>C, p.Thr1049Pro (NM_182587.4); short protein forms T1049P, T1054P.
Identifiers: ClinVar variation 1028453 (VCV001028453.6), dbSNP rs2081572837, ClinGen allele CA350412323.
Genomic context (GRCh38, chr2:209,839,340, plus strand): 5'-AAGTCCCAGAGTGCAGCAAGTGACACCAGCAGCCAGTCTGAACAGGACACTTCAGAATGC[A>C]CGACTGCCCACTCAGGGACCACCTCTGACCGACGTGCCCGCTCACGATCCCGCAGAATTT-3'
Protein context (NP_001358915.1, residues 1044-1064): SQSEQDTSEC[Thr1054Pro]TAHSGTTSDR

ClinVar aggregate classification (germline): Uncertain significance. Review status: criteria provided, multiple submitters, no conflicts (2 of 4 stars). 2 submissions from 2 submitters: Uncertain significance (2). Last evaluated 2021-12-02.

Conditions:
Hypotonia, infantile, with psychomotor retardation and characteristic facies 2 (IHPRF2). Also called: UNC80 Deficiency. Identifiers: Orphanet 371364, Orphanet 700333, MedGen C4225203, MONDO:0014777, OMIM 616801.

Allele frequency attached by ClinVar (database versions not stated): gnomAD exomes below 0.00001.
gnomAD v4.1: 2 of 1,551,874 alleles (0.00013%); highest among the groups gnomAD compares: Non-Finnish European, 0.00017%; no homozygotes.

Submissions (2):

Labcorp Genetics (formerly Invitae), Labcorp
Classification: Uncertain significance. Last evaluated: 2021-12-02. Review status: criteria provided, single submitter. Criteria: Invitae Variant Classification Sherloc (09022015). Collection method: clinical testing. Allele origin: germline.
Comment: In summary, the available evidence is currently insufficient to determine the role of this variant in disease. Therefore, it has been classified as a Variant of Uncertain Significance. Algorithms developed to predict the effect of missense changes on protein structure and function are either unavailable or do not agree on the potential impact of this missense change (SIFT: "Not Available"; PolyPhen-2: "Probably Damaging"; Align-GVGD: "Not Available"). ClinVar contains an entry for this variant (Variation ID: 1028453). This variant has not been reported in the literature in individuals affected with UNC80-related conditions. This variant is not present in population databases (gnomAD no frequency). This sequence change replaces threonine with proline at codon 1054 of the UNC80 protein (p.Thr1054Pro). The threonine residue is weakly conserved and there is a small physicochemical difference between threonine and proline.

Baylor Genetics
Classification: Uncertain significance for Hypotonia, infantile, with psychomotor retardation and characteristic facies 2. Last evaluated: 2019-03-02. Review status: criteria provided, single submitter. Criteria: ACMG Guidelines, 2015. Collection method: clinical testing. Allele origin: paternal. Affected: yes.
Comment: This variant was determined to be of uncertain significance according to ACMG Guidelines, 2015 [PMID:25741868].